The following is an entry in ClinVar:

ClinVar aggregate classification (germline): Uncertain significance (0 of 4 stars; one submission).

Conditions:
PFKM-related disorder. Also called: PFKM-related condition.

Submission:

PreventionGenetics, part of Exact Sciences
Classification: Uncertain significance for PFKM-related condition. Last evaluated: 2023-11-07. Review status: no assertion criteria provided. Collection method: clinical testing. Allele origin: germline.
Comment: The PFKM c.485T>C variant is predicted to result in the amino acid substitution p.Val162Ala. To our knowledge, this variant has not been reported in the literature. This variant is reported in 0.011% of alleles in individuals of African descent in gnomAD. At this time, the clinical significance of this variant is uncertain due to the absence of conclusive functional and genetic evidence.

NM_000289.6(PFKM):c.485T>C (p.Val162Ala)

Gene: PFKM (phosphofructokinase, muscle; plus strand). Cytogenetic location: 12q13.11.
Variant type: single nucleotide variant.
Coding change: c.485T>C on transcript NM_000289.6 (MANE Select); coding-DNA position 485, T replaced by C.
Protein change: p.Val162Ala; replaces valine 162 with alanine.
Molecular consequence: missense variant. On other transcripts: non-coding transcript variant (6).
Genome position (GRCh38, 1-based): chr12:48,133,372, T>C. VCF-style: chr12-48133372-T-C. GRCh37 (hg19) VCF-style: chr12-48527155-T-C.
Other names: c.698T>C, p.Val233Ala (NM_001166686.2, NM_001354737.1, NM_001354738.1 and 1 more transcripts); c.485T>C, p.Val162Ala (NM_001166687.2, NM_001166688.2, NM_001354742.2 and 4 more transcripts); c.794T>C, p.Val265Ala (NM_001354735.1, NM_001354736.1); c.629T>C, p.Val210Ala (NM_001354740.1); c.509T>C, p.Val170Ala (NM_001354741.2); c.398T>C, p.Val133Ala (NM_001354745.2); c.335T>C, p.Val112Ala (NM_001354747.2, NM_001354748.2); short protein forms V112A, V133A, V162A, V170A, V210A, V233A, V265A.
Identifiers: ClinVar variation 3061532 (VCV003061532.2), dbSNP rs1246721865, ClinGen allele CA384543025.